The following is an entry in ClinVar:

ClinVar aggregate classification (germline): Pathogenic. Review status: criteria provided, single submitter (1 of 4 stars). 3 submissions from 3 submitters: Pathogenic (1). 2 of the submissions do not count toward it. Last evaluated 2026-01-31.

Conditions:
Curry-Hall syndrome (WAD). Also called: WEYERS ACRODENTAL DYSOSTOSIS. Identifiers: Orphanet 952, MedGen C0457013, MONDO:0008673, OMIM 193530.
Ellis-van Creveld syndrome (EVC). Also called: EVC-Related Ellis-van Creveld Syndrome; EVC2-Related Ellis-van Creveld Syndrome; MESOECTODERMAL DYSPLASIA; Chondroectodermal dysplasia. Identifiers: Orphanet 289, MedGen C0013903, MONDO:0009162, OMIM 225500.

Allele frequency attached by ClinVar (database versions not stated): ExAC 0.00001; gnomAD 0.00001; gnomAD exomes 0.00001; TOPMed 0.00001; ESP Exome Variant Server 0.00008.
gnomAD v4.1: 11 of 1,613,908 alleles (0.00068%); highest among the groups gnomAD compares: Admixed American, 0.0017%; no homozygotes.

Submissions (3):

Labcorp Genetics (formerly Invitae), Labcorp
Classification: Pathogenic for Curry-Hall syndrome; Ellis-van Creveld syndrome. Last evaluated: 2026-01-31. Review status: criteria provided, single submitter. Criteria: Invitae Variant Classification Sherloc (09022015). Collection method: clinical testing. Allele origin: germline.
Comment: This sequence change creates a premature translational stop signal (p.Arg885*) in the EVC2 gene. It is expected to result in an absent or disrupted protein product. Loss-of-function variants in EVC2 are known to be pathogenic (PMID: 17024374, 19810119, 19876929). This variant is present in population databases (rs146538906, gnomAD 0.003%). This premature translational stop signal has been observed in individual(s) with Ellis-van Creveld syndrome (PMID: 21815252, 26064711, 26818569, 29456477). In at least one individual the data is consistent with being in trans (on the opposite chromosome) from a pathogenic variant. ClinVar contains an entry for this variant (Variation ID: 30665). For these reasons, this variant has been classified as Pathogenic.

Counsyl
Classification: Pathogenic for Ellis-van Creveld syndrome. Last evaluated: 2018-02-16. Review status: no assertion criteria provided. Collection method: clinical testing. Allele origin: unknown. Not counted in ClinVar's aggregate classification.

OMIM
Classification: Pathogenic for ELLIS-VAN CREVELD SYNDROME. Last evaluated: 2011-09-01. Review status: no assertion criteria provided. Collection method: literature only. Allele origin: germline. Not counted in ClinVar's aggregate classification.

Literature cited by the submitters: PubMed 17024374 (cited by Labcorp Genetics (formerly Invitae), Labcorp); PubMed 19810119 (cited by Labcorp Genetics (formerly Invitae), Labcorp); PubMed 19876929 (cited by Labcorp Genetics (formerly Invitae), Labcorp); PubMed 21815252 (cited by 3 submitters); PubMed 26064711 (cited by Labcorp Genetics (formerly Invitae), Labcorp); PubMed 26818569 (cited by Labcorp Genetics (formerly Invitae), Labcorp and Counsyl); PubMed 29456477 (cited by Labcorp Genetics (formerly Invitae), Labcorp).

NM_147127.5(EVC2):c.2653C>T (p.Arg885Ter)

Gene: EVC2 (EvC ciliary complex subunit 2; minus strand). Cytogenetic location: 4p16.2.
Variant type: single nucleotide variant.
Coding change: c.2653C>T on transcript NM_147127.5 (MANE Select); coding-DNA position 2653, C replaced by T.
Protein change: p.Arg885Ter; replaces arginine 885 with a stop codon.
Molecular consequence: nonsense.
Genome position (GRCh38, 1-based): chr4:5,618,531, G>A on the plus strand (C>T on the coding strand, the complement: EVC2 is on the minus strand). VCF-style: chr4-5618531-G-A. GRCh37 (hg19) VCF-style: chr4-5620258-G-A.
Other names: R884*; c.2413C>T, p.Arg805Ter (NM_001166136.2); short protein forms R885*, R805*.
Identifiers: ClinVar variation 30665 (VCV000030665.8), dbSNP rs146538906, ClinGen allele CA213036.